The following is an entry in ClinVar:

NM_000142.5(FGFR3):c.1075+6G>T

Gene: FGFR3 (fibroblast growth factor receptor 3; plus strand). Cytogenetic location: 4p16.3.
Variant type: single nucleotide variant.
Coding change: c.1075+6G>T on transcript NM_000142.5 (MANE Select); 6 bases into the intron after coding-DNA position 1075, G replaced by T.
Molecular consequence: intron variant.
Genome position (GRCh38, 1-based): chr4:1,803,842, G>T. VCF-style: chr4-1803842-G-T. GRCh37 (hg19) VCF-style: chr4-1805569-G-T.
Other names: c.1082-488G>T (NM_001163213.2); c.1075+6G>T (NM_001354809.2, NM_001354810.2); c.931-982G>T (NM_022965.4).
Identifiers: ClinVar variation 2920055 (VCV002920055.3), dbSNP rs368793167, ClinGen allele CA91253277.

ClinVar aggregate classification (germline): Uncertain significance (1 of 4 stars; one submission).

Allele frequency attached by ClinVar (database versions not stated): ESP Exome Variant Server 0.00008.

Submission:

Labcorp Genetics (formerly Invitae), Labcorp
Classification: Uncertain significance. Last evaluated: 2024-10-16. Review status: criteria provided, single submitter. Criteria: Invitae Variant Classification Sherloc (09022015). Collection method: clinical testing. Allele origin: germline.
Comment: This sequence change falls in intron 8 of the FGFR3 gene. It does not directly change the encoded amino acid sequence of the FGFR3 protein. It affects a nucleotide within the consensus splice site. This variant is not present in population databases (gnomAD no frequency). This variant has not been reported in the literature in individuals affected with FGFR3-related conditions. Variants that disrupt the consensus splice site are a relatively common cause of aberrant splicing (PMID: 17576681, 9536098). Algorithms developed to predict the effect of sequence changes on RNA splicing suggest that this variant is not likely to affect RNA splicing. In summary, the available evidence is currently insufficient to determine the role of this variant in disease. Therefore, it has been classified as a Variant of Uncertain Significance.

Literature cited by the submitters: PubMed 17576681; PubMed 9536098.